The following is an entry in ClinVar:

NM_007194.4(CHEK2):c.745A>C (p.Lys249Gln)

Gene: CHEK2 (checkpoint kinase 2; minus strand). Cytogenetic location: 22q12.1.
Variant type: single nucleotide variant.
Coding change: c.745A>C on transcript NM_007194.4 (MANE Select); coding-DNA position 745, A replaced by C.
Protein change: p.Lys249Gln; replaces lysine 249 with glutamine.
Molecular consequence: missense variant.
Genome position (GRCh38, 1-based): chr22:28,711,956, T>G on the plus strand (A>C on the coding strand, the complement: CHEK2 is on the minus strand). VCF-style: chr22-28711956-T-G. GRCh37 (hg19) VCF-style: chr22-29107944-T-G.
Other names: c.874A>C, p.Lys292Gln (NM_001005735.3); c.82A>C, p.Lys28Gln (NM_001257387.3); c.544A>C, p.Lys182Gln (NM_001349956.3); c.745A>C, p.Lys249Gln (NM_145862.3); short protein forms K249Q, K28Q, K182Q, K292Q.
Identifiers: ClinVar variation 530055 (VCV000530055.12), dbSNP rs1555921132, ClinGen allele CA411103247.
Genomic context (GRCh38, chr22:28,711,956, plus strand): 5'-TATTGGTACTTACTGCCTCTCTTGCTGAACCAATAGCAAACTTCCTTTTGCTGATGATCT[T>G]TATGGCTACTTTCTTACATGTTTTCCTCTCGAAAGCCAGCTTTACCTCTCCACAGGCACC-3'
Protein context (NP_009125.1, residues 239-259): ERKTCKKVAI[Lys249Gln]IISKRKFAIG

ClinVar aggregate classification (germline): Uncertain significance. Review status: criteria provided, multiple submitters, no conflicts (2 of 4 stars). 2 submissions from 2 submitters: Uncertain significance (2). Last evaluated 2022-03-30.

Conditions:
Familial cancer of breast. Also called: Hereditary breast cancer; BREAST CANCER, FAMILIAL; hereditary breast carcinoma. Identifiers: Orphanet 227535, MedGen C0346153, MONDO:0016419, OMIM 114480. Disease mechanism: loss of function.

Submissions (2):

Blueprint Genetics
Classification: Uncertain significance. Last evaluated: 2022-03-30. Review status: criteria provided, single submitter. Criteria: ACMG Guidelines, 2015. Collection method: clinical testing. Allele origin: germline.

Labcorp Genetics (formerly Invitae), Labcorp
Classification: Uncertain significance for Familial cancer of breast. Last evaluated: 2019-07-04. Review status: criteria provided, single submitter. Criteria: Invitae Variant Classification Sherloc (09022015). Collection method: clinical testing. Allele origin: germline.
Comment: This variant is not present in population databases (ExAC no frequency). This sequence change replaces lysine with glutamine at codon 249 of the CHEK2 protein (p.Lys249Gln). The lysine residue is highly conserved and there is a small physicochemical difference between lysine and glutamine. This variant has not been reported in the literature in individuals with CHEK2-related conditions. ClinVar contains an entry for this variant (Variation ID: 530055). Algorithms developed to predict the effect of missense changes on protein structure and function are either unavailable or do not agree on the potential impact of this missense change (SIFT: "Deleterious"; PolyPhen-2: "Probably Damaging"; Align-GVGD: "Class C0"). In summary, the available evidence is currently insufficient to determine the role of this variant in disease. Therefore, it has been classified as a Variant of Uncertain Significance.